The following is an entry in ClinVar:

NM_005219.5(DIAPH1):c.1420G>A (p.Val474Met)

Gene: DIAPH1 (diaphanous related formin 1; minus strand). Cytogenetic location: 5q31.3.
Variant type: single nucleotide variant.
Coding change: c.1420G>A on transcript NM_005219.5 (MANE Select); coding-DNA position 1420, G replaced by A.
Protein change: p.Val474Met; replaces valine 474 with methionine.
Molecular consequence: missense variant.
Genome position (GRCh38, 1-based): chr5:141,576,271, C>T on the plus strand (G>A on the coding strand, the complement: DIAPH1 is on the minus strand). VCF-style: chr5-141576271-C-T. GRCh37 (hg19) VCF-style: chr5-140955838-C-T.
Other names: c.1420G>A (NM_005219.4); c.1393G>A, p.Val465Met (NM_001079812.3); c.1420G>A, p.Val474Met (NM_001314007.2); short protein forms V465M, V474M.
Identifiers: ClinVar variation 2939843 (VCV002939843.4), dbSNP rs1477410146, ClinGen allele CA361526825.

ClinVar aggregate classification (germline): Uncertain significance. Review status: criteria provided, multiple submitters, no conflicts (2 of 4 stars). 2 submissions from 2 submitters: Uncertain significance (2). Last evaluated 2024-09-08.

Conditions:
Inborn genetic diseases. Identifiers: MedGen C0950123, MeSH D030342.
Progressive microcephaly-seizures-cortical blindness-developmental delay syndrome. Also called: Seizures, cortical blindness, and microcephaly syndrome. Identifiers: Orphanet 477814, MedGen C5567650, MONDO:0014714, OMIM 616632.
Autosomal dominant nonsyndromic hearing loss 1. Also called: KONIGSMARK SYNDROME; DEAFNESS, AUTOSOMAL DOMINANT 1, WITH OR WITHOUT THROMBOCYTOPENIA. Identifiers: Orphanet 90635, MedGen C1852282, MONDO:0007424, OMIM 124900.

Allele frequency attached by ClinVar (database versions not stated): gnomAD exomes below 0.00001; TOPMed 0.00001.
gnomAD v4.1: 3 of 1,614,044 alleles (0.00019%); highest among the groups gnomAD compares: East Asian, 0.0022%; no homozygotes.

Submissions (2):

Ambry Genetics
Classification: Uncertain significance for Inborn genetic diseases. Last evaluated: 2024-09-08. Review status: criteria provided, single submitter. Criteria: Ambry Variant Classification Scheme 2023. Collection method: clinical testing. Allele origin: germline.

Labcorp Genetics (formerly Invitae), Labcorp
Classification: Uncertain significance for Progressive microcephaly-seizures-cortical blindness-developmental delay syndrome; Autosomal dominant nonsyndromic hearing loss 1. Last evaluated: 2023-10-17. Review status: criteria provided, single submitter. Criteria: Invitae Variant Classification Sherloc (09022015). Collection method: clinical testing. Allele origin: germline.
Comment: This sequence change replaces valine, which is neutral and non-polar, with methionine, which is neutral and non-polar, at codon 474 of the DIAPH1 protein (p.Val474Met). This variant is present in population databases (no rsID available, gnomAD 0.01%). This variant has not been reported in the literature in individuals affected with DIAPH1-related conditions. Experimental studies and prediction algorithms are not available or were not evaluated, and the functional significance of this variant is currently unknown. In summary, the available evidence is currently insufficient to determine the role of this variant in disease. Therefore, it has been classified as a Variant of Uncertain Significance.